The following is an entry in ClinVar:

ClinVar aggregate classification (germline): Uncertain significance. Review status: criteria provided, multiple submitters, no conflicts (2 of 4 stars). 5 submissions from 4 submitters: Uncertain significance (5). Last evaluated 2025-04-20.

Conditions:
CDH1-related disorder. Also called: CDH1-related condition.
Blepharocheilodontic syndrome 1 (BCDS1). Identifiers: Orphanet 1997, MedGen C4551988, MONDO:0054740, OMIM 119580.
Hereditary cancer-predisposing syndrome. Also called: Tumor predisposition; Hereditary neoplastic syndrome; Neoplastic Syndromes, Hereditary; Hereditary Cancer Syndrome. Identifiers: Orphanet 140162, MedGen C0027672, MeSH D009386, MONDO:0015356.
Hereditary diffuse gastric adenocarcinoma (HDGC). Also called: DIFFUSE GASTRIC AND LOBULAR BREAST CANCER SYNDROME. Identifiers: Orphanet 26106, MedGen C1708349, MONDO:0007648, OMIM 137215.
Familial cancer of breast. Also called: Hereditary breast cancer; hereditary breast carcinoma; BREAST CANCER, FAMILIAL. Identifiers: Orphanet 227535, MedGen C0346153, MONDO:0016419, OMIM 114480. Disease mechanism: loss of function.

Allele frequency attached by ClinVar (database versions not stated): gnomAD exomes below 0.00001; gnomAD 0.00002.
gnomAD v4.1: 5 of 1,610,196 alleles (0.00031%); highest among the groups gnomAD compares: African/African-American, 0.0067%; no homozygotes.

Submissions (5):

Labcorp Genetics (formerly Invitae), Labcorp
Classification: Uncertain significance for Hereditary diffuse gastric adenocarcinoma. Last evaluated: 2025-04-20. Review status: criteria provided, single submitter. Criteria: Invitae Variant Classification Sherloc (09022015). Collection method: clinical testing. Allele origin: germline.
Comment: This sequence change replaces serine, which is neutral and polar, with phenylalanine, which is neutral and non-polar, at codon 649 of the CDH1 protein (p.Ser649Phe). This variant is present in population databases (no rsID available, gnomAD 0.01%). This variant has not been reported in the literature in individuals affected with CDH1-related conditions. ClinVar contains an entry for this variant (Variation ID: 463737). An algorithm developed to predict the effect of missense changes on protein structure and function (PolyPhen-2) suggests that this variant is likely to be disruptive. In summary, the available evidence is currently insufficient to determine the role of this variant in disease. Therefore, it has been classified as a Variant of Uncertain Significance.

PreventionGenetics, part of Exact Sciences
Classification: Uncertain significance for CDH1-related condition. Last evaluated: 2024-12-18. Review status: criteria provided, single submitter. Criteria: ACMG Guidelines, 2015. Collection method: clinical testing. Allele origin: germline.
Comment: The CDH1 c.1946C>T variant is predicted to result in the amino acid substitution p.Ser649Phe. To our knowledge, this variant has not been reported in the literature. This variant is reported in 0.011% of alleles in individuals of African descent in gnomAD and is interpreted as uncertain in ClinVar. At this time, the clinical significance of this variant is uncertain due to the absence of conclusive functional and genetic evidence.

Ambry Genetics
Classification: Uncertain significance for Hereditary cancer-predisposing syndrome. Last evaluated: 2024-01-25. Review status: criteria provided, single submitter. Criteria: Ambry Variant Classification Scheme 2023. Collection method: clinical testing. Allele origin: germline.
Comment: The p.S649F variant (also known as c.1946C>T), located in coding exon 13 of the CDH1 gene, results from a C to T substitution at nucleotide position 1946. The serine at codon 649 is replaced by phenylalanine, an amino acid with highly dissimilar properties. This amino acid position is not well conserved in available vertebrate species. In addition, this alteration is predicted to be tolerated by in silico analysis. Since supporting evidence is limited at this time, the clinical significance of this alteration remains unclear.

Baylor Genetics
Classification: Uncertain significance for Familial cancer of breast. Last evaluated: 2023-10-07. Review status: criteria provided, single submitter. Criteria: ACMG Guidelines, 2015. Collection method: clinical testing. Allele origin: unknown.

Baylor Genetics
Classification: Uncertain significance for Blepharocheilodontic syndrome 1. Last evaluated: 2018-05-14. Review status: criteria provided, single submitter. Criteria: ACMG Guidelines, 2015. Collection method: clinical testing. Allele origin: paternal. Affected: yes.
Comment: This variant was determined to be of uncertain significance according to ACMG Guidelines, 2015 [PMID:25741868].

NM_004360.5(CDH1):c.1946C>T (p.Ser649Phe)

Gene: CDH1 (cadherin 1; plus strand). Cytogenetic location: 16q22.1.
Variant type: single nucleotide variant.
Coding change: c.1946C>T on transcript NM_004360.5 (MANE Select); coding-DNA position 1946, C replaced by T.
Protein change: p.Ser649Phe; replaces serine 649 with phenylalanine.
Molecular consequence: missense variant. On other transcripts: 5 prime UTR variant (1).
Genome position (GRCh38, 1-based): chr16:68,823,408, C>T. VCF-style: chr16-68823408-C-T. GRCh37 (hg19) VCF-style: chr16-68857311-C-T.
Other names: c.1946C>T (LRG_301t1, NM_004360.4); c.1763C>T, p.Ser588Phe (NM_001317184.2); c.398C>T, p.Ser133Phe (NM_001317185.2); c.-20C>T (NM_001317186.2); short protein forms S649F, S133F, S588F.
Identifiers: ClinVar variation 463737 (VCV000463737.18), dbSNP rs1238607560, ClinGen allele CA396467519.